The following is an entry in ClinVar:

NM_024411.5(PDYN):c.271C>T (p.Pro91Ser)

Genes: PDYN (prodynorphin; minus strand), PDYN-AS1 (PDYN antisense RNA 1; plus strand). Cytogenetic location: 20p13.
Variant type: single nucleotide variant.
Coding change: c.271C>T on transcript NM_024411.5 (MANE Select); coding-DNA position 271, C replaced by T.
Protein change: p.Pro91Ser; replaces proline 91 with serine.
Molecular consequence: missense variant.
Genome position (GRCh38, 1-based): chr20:1,980,817, G>A on the plus strand (C>T on the coding strand, the complement: PDYN is on the minus strand). VCF-style: chr20-1980817-G-A. GRCh37 (hg19) VCF-style: chr20-1961463-G-A.
Other names: c.271C>T, p.Pro91Ser (NM_001190892.1, NM_001190898.3, NM_001190899.2 and 1 more transcripts); c.271C>T (NM_024411.4); short protein forms P91S.
Identifiers: ClinVar variation 2428318 (VCV002428318.7), dbSNP rs147355936, ClinGen allele CA9730326.

ClinVar aggregate classification (germline): Conflicting classifications of pathogenicity. Review status: criteria provided, conflicting classifications (1 of 4 stars). 3 submissions from 3 submitters: Uncertain significance (1); Likely benign (2). Last evaluated 2025-07-21.

Conditions:
Inborn genetic diseases. Identifiers: MedGen C0950123, MeSH D030342.

Allele frequency attached by ClinVar (database versions not stated): gnomAD exomes 0.00002; ExAC 0.00010; ESP Exome Variant Server 0.00015; gnomAD 0.00028; TOPMed 0.00029.
gnomAD v4.1: 71 of 1,614,072 alleles (0.0044%); highest among the groups gnomAD compares: African/African-American, 0.091%; no homozygotes.

Submissions (3):

Women's Health and Genetics/Laboratory Corporation of America, LabCorp
Classification: Likely benign. Last evaluated: 2025-07-21. Review status: criteria provided, single submitter. Criteria: LabCorp Variant Classification Summary - May 2015. Collection method: clinical testing. Allele origin: germline.
Comment: Variant summary: PDYN c.271C>T (p.Pro91Ser) results in a non-conservative amino acid change in the encoded protein sequence. Algorithms developed to predict the effect of missense changes on protein structure and function are either unavailable or do not agree on the potential impact of this missense change. The variant allele was found at a frequency of 7.6e-05 in 251406 control chromosomes, predominantly at a frequency of 0.0012 within the African or African-American subpopulation in the gnomAD database. The observed variant frequency within African or African-American control individuals in the gnomAD database exceeds the estimated maximal expected allele frequency for a pathogenic variant in PDYN causing Spinocerebellar Ataxia Type 23 phenotype. To our knowledge, no occurrence of c.271C>T in individuals affected with Spinocerebellar Ataxia Type 23 and no experimental evidence demonstrating its impact on protein function have been reported. ClinVar contains an entry for this variant (Variation ID: 2428318). Based on the evidence outlined above, the variant was classified as likely benign.

Labcorp Genetics (formerly Invitae), Labcorp
Classification: Likely benign. Last evaluated: 2025-01-29. Review status: criteria provided, single submitter. Criteria: Invitae Variant Classification Sherloc (09022015). Collection method: clinical testing. Allele origin: germline.

Ambry Genetics
Classification: Uncertain significance for Inborn genetic diseases. Last evaluated: 2024-03-01. Review status: criteria provided, single submitter. Criteria: Ambry Variant Classification Scheme 2023. Collection method: clinical testing. Allele origin: germline.